The following is an entry in ClinVar:

ClinVar aggregate classification (germline): Conflicting classifications of pathogenicity. Review status: criteria provided, conflicting classifications (1 of 4 stars). 7 submissions from 7 submitters: Uncertain significance (5); Likely benign (2). Last evaluated 2026-06-09.

Conditions:
MYH6-related disorder. Also called: MYH6-related condition; MYH6-Related Disorders.
Cardiovascular phenotype. Identifiers: MedGen CN230736.
Atrial septal defect 3 (ASD3). Identifiers: Orphanet 1478, MedGen C3279790, MONDO:0013567, OMIM 614089.
Hypertrophic cardiomyopathy 1 (CMH1). Also called: MYH7-Related Familial Hypertrophic Cardiomyopathy; Familial hypertrophic cardiomyopathy 1. Identifiers: MedGen C3495498, MONDO:0008647, OMIM 192600.
Sick sinus syndrome 3, susceptibility to (SSS3). Identifiers: Orphanet 166282, MedGen C3279791, MONDO:0013568, OMIM 614090.
Dilated cardiomyopathy 1EE (CMD1EE). Identifiers: Orphanet 154, MedGen C2750466, MONDO:0013198, OMIM 613252.
Hypertrophic cardiomyopathy 14. Identifiers: MedGen C2750467, MONDO:0013197, OMIM 613251.

Allele frequency attached by ClinVar (database versions not stated): TOPMed 0.00005; ExAC 0.00006; gnomAD 0.00008 and 0.00009; gnomAD exomes 0.00008 and 0.00013.
gnomAD v4.1: 203 of 1,607,924 alleles (0.013%); highest among the groups gnomAD compares: Non-Finnish European, 0.016%; no homozygotes.

Submissions (7):

PreventionGenetics, part of Exact Sciences
Classification: Uncertain significance for MYH6-related condition. Last evaluated: 2026-06-09. Review status: criteria provided, single submitter. Criteria: ACMG Guidelines, 2015. Collection method: clinical testing. Allele origin: germline.
Comment: The MYH6 c.3612G>C variant is predicted to result in the amino acid substitution p.Glu1204Asp. This variant has been reported as uncertain in an individual with undetermined sudden death (Sanchez et al. 2016. PubMed ID: 27930701). This variant is reported in 0.015% of alleles in individuals of European (Non-Finnish) descent in gnomAD and has conflicting interpretations regarding its pathogenicity in ClinVar, ranging from likely benign to uncertain (Variation ID: 264374). At this time, the clinical significance of this variant is uncertain due to the absence of conclusive functional and genetic evidence.

Labcorp Genetics (formerly Invitae), Labcorp
Classification: Uncertain significance for Hypertrophic cardiomyopathy 14. Last evaluated: 2025-12-21. Review status: criteria provided, single submitter. Criteria: Invitae Variant Classification Sherloc (09022015). Collection method: clinical testing. Allele origin: germline.
Comment: This sequence change replaces glutamic acid, which is acidic and polar, with aspartic acid, which is acidic and polar, at codon 1204 of the MYH6 protein (p.Glu1204Asp). This variant is present in population databases (rs751153777, gnomAD 0.02%). This variant has not been reported in the literature in individuals affected with MYH6-related conditions. ClinVar contains an entry for this variant (Variation ID: 264374). Invitae Evidence Modeling of protein sequence and biophysical properties (such as structural, functional, and spatial information, amino acid conservation, physicochemical variation, residue mobility, and thermodynamic stability) indicates that this missense variant is not expected to disrupt MYH6 protein function with a negative predictive value of 80%. In summary, the available evidence is currently insufficient to determine the role of this variant in disease. Therefore, it has been classified as a Variant of Uncertain Significance.

Ambry Genetics
Classification: Likely benign for Cardiovascular phenotype. Last evaluated: 2025-02-05. Review status: criteria provided, single submitter. Criteria: Ambry Variant Classification Scheme 2023. Collection method: clinical testing. Allele origin: germline.

ARUP Laboratories, Molecular Genetics and Genomics, ARUP Laboratories
Classification: Uncertain significance. Last evaluated: 2024-01-18. Review status: criteria provided, single submitter. Criteria: ARUP Molecular Germline Variant Investigation Process 2024. Collection method: clinical testing. Allele origin: germline.
Comment: The MYH6 c.3612G>C; p.Glu1204Asp variant (rs751153777) is reported in the literature in one individual affected with hypertrophic cardiomyopathy and in one case of sudden death (Sanchez 2016, van Lint 2019). This variant is also reported in ClinVar (Variation ID: 264374). This variant is found in the general population with an overall allele frequency of 0.009% (25/279,364 alleles) in the Genome Aggregation Database (v2.1.1). Computational analyses are uncertain whether this variant is neutral or deleterious (REVEL: 0.402). Due to limited information, the clinical significance of this variant is uncertain at this time. References: Sanchez O et al. Natural and Undetermined Sudden Death: Value of Post-Mortem Genetic Investigation. PLoS One. 2016 Dec 8;11(12):e0167358. PMID: 27930701. van Lint FHM et al. Large next-generation sequencing gene panels in genetic heart disease: yield of pathogenic variants and variants of unknown significance. Neth Heart J. 2019 Jun;27(6):304-309. PMID: 30847666.

Blueprint Genetics
Classification: Likely benign. Last evaluated: 2022-11-17. Review status: criteria provided, single submitter. Criteria: ACMG Guidelines, 2015. Collection method: clinical testing. Allele origin: germline.

Women's Health and Genetics/Laboratory Corporation of America, LabCorp
Classification: Uncertain significance. Last evaluated: 2022-05-31. Review status: criteria provided, single submitter. Criteria: LabCorp Variant Classification Summary - May 2015. Collection method: clinical testing. Allele origin: germline.
Comment: Variant summary: MYH6 c.3612G>C (p.Glu1204Asp) results in a conservative amino acid change located in the Myosin tail of the encoded protein sequence. Three of five in-silico tools predict a benign effect of the variant on protein function. The variant allele was found at a frequency of 8.5e-05 in 248168 control chromosomes. The observed variant frequency is approximately 3.38 fold of the estimated maximal expected allele frequency for a pathogenic variant in MYH6 causing Cardiomyopathy phenotype (2.5e-05), suggesting that the variant is benign. c.3612G>C has been reported in the literature in an individual who died suddenly of unexplained causes, without strong evidence for causality (Sanchez_2016). This report does not provide unequivocal conclusions about association of the variant with Cardiomyopathy. To our knowledge, no experimental evidence demonstrating an impact on protein function has been reported. Two clinical diagnostic laboratories have submitted clinical-significance assessments for this variant to ClinVar after 2014 without evidence for independent evaluation. All laboratories classified the variant as uncertain significance. Based on the evidence outlined above, the variant was classified as VUS.

Fulgent Genetics
Classification: Uncertain significance for Hypertrophic cardiomyopathy 1; Hypertrophic cardiomyopathy 14; Dilated cardiomyopathy 1EE; Atrial septal defect 3; Sick sinus syndrome 3, susceptibility to. Last evaluated: 2021-09-14. Review status: criteria provided, single submitter. Criteria: ACMG Guidelines, 2015. Collection method: clinical testing. Allele origin: unknown.

Literature cited by the submitters: PubMed 27930701 (cited by Women's Health and Genetics/Laboratory Corporation of America, LabCorp).

NM_002471.4(MYH6):c.3612G>C (p.Glu1204Asp)

Gene: MYH6 (myosin heavy chain 6; minus strand). Cytogenetic location: 14q11.2.
Variant type: single nucleotide variant.
Coding change: c.3612G>C on transcript NM_002471.4 (MANE Select); coding-DNA position 3612, G replaced by C.
Protein change: p.Glu1204Asp; replaces glutamic acid 1204 with aspartic acid.
Molecular consequence: missense variant.
Genome position (GRCh38, 1-based): chr14:23,390,177, C>G on the plus strand (G>C on the coding strand, the complement: MYH6 is on the minus strand). VCF-style: chr14-23390177-C-G. GRCh37 (hg19) VCF-style: chr14-23859386-C-G.
Other names: short protein forms E1204D.
Identifiers: ClinVar variation 264374 (VCV000264374.20), dbSNP rs751153777, ClinGen allele CA7115123.
Genomic context (GRCh38, chr14:23,390,177, plus strand): 5'-GCTCTTCTCCTTCTCCAGCTTCTGCTTCACCCGCTGCAGGTTGTCGATCTGCTCGCCCAG[C>G]TCGGCCACGCTGTCGGCGTGCTTCTTGCGCAGGGCCGCGGCAGTGGCCTCGTGCTGCAGC-3'
Protein context (NP_002462.2, residues 1194-1214): LRKKHADSVA[Glu1204Asp]LGEQIDNLQR